The following is an entry in ClinVar:

ClinVar aggregate classification (germline): not provided (0 of 4 stars; one submission).

Allele frequency attached by ClinVar (database versions not stated): gnomAD 0.00001.
gnomAD v4.1: 1 of 152,320 alleles (0.00066%); highest among the groups gnomAD compares: African/African-American, 0.0024%; no homozygotes.

Submission:

Human Evolutionary Genetics, Institut Pasteur
No classification provided. Review status: no classification provided. Collection method: not provided. Allele origin: germline.
ClinVar note: Converted during submission from untested to not provided.

NM_033004.4(NLRP1):c.3784-240C>G

Gene: NLRP1 (NLR family pyrin domain containing 1; minus strand). Cytogenetic location: 17p13.2.
Variant type: single nucleotide variant.
Coding change: c.3784-240C>G on transcript NM_033004.4 (MANE Select); 240 bases into the intron before coding-DNA position 3784, C replaced by G.
Molecular consequence: intron variant.
Genome position (GRCh38, 1-based): chr17:5,521,252, G>C on the plus strand (C>G on the coding strand, the complement: NLRP1 is on the minus strand). VCF-style: chr17-5521252-G-C. GRCh37 (hg19) VCF-style: chr17-5424572-G-C.
Other names: c.3796-240C>G (NM_001033053.3); c.3693+272C>G (NM_033007.4); c.3694-240C>G (NM_033006.4); c.3783+272C>G (NM_014922.5).
Identifiers: ClinVar variation 103026 (VCV000103026.2), dbSNP rs199476215, ClinGen allele CA018513.